The following is an entry in ClinVar:

NM_004369.4(COL6A3):c.8621C>T (p.Thr2874Met)

Gene: COL6A3 (collagen type VI alpha 3 chain; minus strand). Cytogenetic location: 2q37.3.
Variant type: single nucleotide variant.
Coding change: c.8621C>T on transcript NM_004369.4 (MANE Select); coding-DNA position 8621, C replaced by T.
Protein change: p.Thr2874Met; replaces threonine 2874 with methionine.
Molecular consequence: missense variant.
Genome position (GRCh38, 1-based): chr2:237,336,479, G>A on the plus strand (C>T on the coding strand, the complement: COL6A3 is on the minus strand). VCF-style: chr2-237336479-G-A. GRCh37 (hg19) VCF-style: chr2-238245122-G-A.
Other names: c.6800C>T, p.Thr2267Met (NM_057166.5); c.8003C>T, p.Thr2668Met (NM_057167.4); short protein forms T2874M, T2267M, T2668M.
Identifiers: ClinVar variation 476563 (VCV000476563.13), dbSNP rs779335085, ClinGen allele CA2187491.

ClinVar aggregate classification (germline): Conflicting classifications of pathogenicity. Review status: criteria provided, conflicting classifications (1 of 4 stars). 4 submissions from 4 submitters: Uncertain significance (3); Likely benign (1). Last evaluated 2026-02-10.

Conditions:
Bethlem myopathy 1A. Also called: Bethlem Muscular Dystrophy; Bethlem myopathy 1; MYOPATHY, BENIGN CONGENITAL, WITH CONTRACTURES. Identifiers: Orphanet 610, MedGen CN029274, MONDO:0024530, OMIM 158810.

Allele frequency attached by ClinVar (database versions not stated): gnomAD exomes 0.00002 and 0.00004; TOPMed 0.00002; gnomAD 0.00003; ExAC 0.00004.
gnomAD v4.1: 38 of 1,614,098 alleles (0.0024%); highest among the groups gnomAD compares: Admixed American, 0.012%; no homozygotes.

Submissions (4):

Women's Health and Genetics/Laboratory Corporation of America, LabCorp
Classification: Uncertain significance. Last evaluated: 2026-02-10. Review status: criteria provided, single submitter. Criteria: LabCorp Variant Classification Summary - May 2015. Collection method: clinical testing. Allele origin: germline.
Comment: Variant summary: COL6A3 c.8621C>T (p.Thr2874Met) results in a non-conservative amino acid change in the encoded protein sequence. Algorithms developed to predict the effect of missense changes on protein structure and function are either unavailable or do not agree on the potential impact of this missense change. The variant allele was found at a frequency of 4e-05 in 251484 control chromosomes. This frequency is not significantly higher than estimated for disease-causing variants in COL6A3, allowing no conclusion about variant significance. To our knowledge, no occurrence of c.8621C>T in individuals affected with COL6A3-related conditions and no experimental evidence demonstrating its impact on protein function have been reported. ClinVar contains an entry for this variant (Variation ID: 476563). Based on the evidence outlined above, the variant was classified as uncertain significance.

Labcorp Genetics (formerly Invitae), Labcorp
Classification: Likely benign for Bethlem myopathy 1A. Last evaluated: 2025-12-20. Review status: criteria provided, single submitter. Criteria: Invitae Variant Classification Sherloc (09022015). Collection method: clinical testing. Allele origin: germline.

Revvity Omics, Revvity
Classification: Uncertain significance. Last evaluated: 2022-06-14. Review status: criteria provided, single submitter. Criteria: ACMG Guidelines, 2015. Collection method: clinical testing. Allele origin: germline.

Blueprint Genetics
Classification: Uncertain significance. Last evaluated: 2022-01-07. Review status: criteria provided, single submitter. Criteria: ACMG Guidelines, 2015. Collection method: clinical testing. Allele origin: germline.